The following is an entry in ClinVar:

ClinVar aggregate classification (germline): Uncertain significance. Review status: criteria provided, multiple submitters, no conflicts (2 of 4 stars). 2 submissions from 2 submitters: Uncertain significance (2). Last evaluated 2024-04-16.

Conditions:
Idiopathic generalized epilepsy. Also called: EIG; Generalised epilepsy. Identifiers: MedGen C0270850, MONDO:0005579, OMIM 600669.
Hyperaldosteronism, familial, type IV (HALD4). Also called: FH IV; ALDOSTERONISM, PRIMARY, AND HYPERTENSION. Identifiers: Orphanet 642671, MedGen C4310756, MONDO:0014875, OMIM 617027.
Inborn genetic diseases. Identifiers: MedGen C0950123, MeSH D030342.

Allele frequency attached by ClinVar (database versions not stated): TOPMed below 0.00001.
gnomAD v4.1: 1 of 1,549,980 alleles (0.000065%); highest among the groups gnomAD compares: Non-Finnish European, 0.000087%; no homozygotes.

Submissions (2):

Labcorp Genetics (formerly Invitae), Labcorp
Classification: Uncertain significance for Idiopathic generalized epilepsy; Hyperaldosteronism, familial, type IV. Last evaluated: 2024-04-16. Review status: criteria provided, single submitter. Criteria: Invitae Variant Classification Sherloc (09022015). Collection method: clinical testing. Allele origin: germline.
Comment: This sequence change replaces valine, which is neutral and non-polar, with leucine, which is neutral and non-polar, at codon 1985 of the CACNA1H protein (p.Val1985Leu). This variant is not present in population databases (gnomAD no frequency). This variant has not been reported in the literature in individuals affected with CACNA1H-related conditions. ClinVar contains an entry for this variant (Variation ID: 2311094). Advanced modeling of protein sequence and biophysical properties (such as structural, functional, and spatial information, amino acid conservation, physicochemical variation, residue mobility, and thermodynamic stability) performed at Invitae indicates that this missense variant is not expected to disrupt CACNA1H protein function with a negative predictive value of 80%. Algorithms developed to predict the effect of sequence changes on RNA splicing suggest that this variant may create or strengthen a splice site. In summary, the available evidence is currently insufficient to determine the role of this variant in disease. Therefore, it has been classified as a Variant of Uncertain Significance.

Ambry Genetics
Classification: Uncertain significance for Inborn genetic diseases. Last evaluated: 2022-09-28. Review status: criteria provided, single submitter. Criteria: Ambry Variant Classification Scheme 2023. Collection method: clinical testing. Allele origin: germline.

NM_021098.3(CACNA1H):c.5953G>T (p.Val1985Leu)

Gene: CACNA1H (calcium voltage-gated channel subunit alpha1 H; plus strand). Cytogenetic location: 16p13.3.
Variant type: single nucleotide variant.
Coding change: c.5953G>T on transcript NM_021098.3 (MANE Select); coding-DNA position 5953, G replaced by T.
Protein change: p.Val1985Leu; replaces valine 1985 with leucine.
Molecular consequence: missense variant.
Genome position (GRCh38, 1-based): chr16:1,219,035, G>T. VCF-style: chr16-1219035-G-T. GRCh37 (hg19) VCF-style: chr16-1269035-G-T.
Other names: c.5935G>T, p.Val1979Leu (NM_001005407.2); short protein forms V1979L, V1985L.
Identifiers: ClinVar variation 2311094 (VCV002311094.4), dbSNP rs1045318582, ClinGen allele CA276612978.
Genomic context (GRCh38, chr16:1,219,035, plus strand): 5'-GTTGCCTCTGTGCACTCTCCGCCCGCAGAGTCCTGTGCCTCCCTCCAGATCCCATTGGCT[G>T]TGTCGTCCCCAGCCAGGAGCGGCGAGCCCCTCCACGCCCTGTCCCCTCGGGGCACAGCCC-3'
Protein context (NP_066921.2, residues 1975-1995): SCASLQIPLA[Val1985Leu]SSPARSGEPL